The following is an entry in ClinVar:

ClinVar aggregate classification (germline): Uncertain significance (1 of 4 stars; one submission).

Allele frequency attached by ClinVar (database versions not stated): gnomAD 0.00001 and 0.00003; TOPMed 0.00002; gnomAD exomes 0.00003 and 0.00007; ExAC 0.00007; ESP Exome Variant Server 0.00015; 1000 Genomes Project 0.00020; 1000 Genomes Project 30x 0.00031.
gnomAD v4.1: 54 of 1,606,360 alleles (0.0034%); highest among the groups gnomAD compares: South Asian, 0.023%; no homozygotes.

Submission:

Labcorp Genetics (formerly Invitae), Labcorp
Classification: Uncertain significance. Last evaluated: 2022-06-20. Review status: criteria provided, single submitter. Criteria: Invitae Variant Classification Sherloc (09022015). Collection method: clinical testing. Allele origin: germline.
Comment: This variant has not been reported in the literature in individuals affected with ADD3-related conditions. This variant is present in population databases (rs376844168, gnomAD 0.03%). This sequence change replaces proline, which is neutral and non-polar, with leucine, which is neutral and non-polar, at codon 498 of the ADD3 protein (p.Pro498Leu). Algorithms developed to predict the effect of missense changes on protein structure and function are either unavailable or do not agree on the potential impact of this missense change (SIFT: "Not Available"; PolyPhen-2: "Probably Damaging"; Align-GVGD: "Not Available"). In summary, the available evidence is currently insufficient to determine the role of this variant in disease. Therefore, it has been classified as a Variant of Uncertain Significance.

NM_016824.5(ADD3):c.1493C>T (p.Pro498Leu)

Gene: ADD3 (adducin 3; plus strand). Cytogenetic location: 10q25.2.
Variant type: single nucleotide variant.
Coding change: c.1493C>T on transcript NM_016824.5 (MANE Select); coding-DNA position 1493, C replaced by T.
Protein change: p.Pro498Leu; replaces proline 498 with leucine.
Molecular consequence: missense variant.
Genome position (GRCh38, 1-based): chr10:110,125,917, C>T. VCF-style: chr10-110125917-C-T. GRCh37 (hg19) VCF-style: chr10-111885675-C-T.
Other names: c.1493C>T, p.Pro498Leu (NM_001121.4, NM_001320591.2, NM_001320592.2 and 2 more transcripts); c.1259C>T, p.Pro420Leu (NM_001320594.2); short protein forms P420L, P498L.
Identifiers: ClinVar variation 1363864 (VCV001363864.8), dbSNP rs376844168, ClinGen allele CA5686626.